The following is an entry in ClinVar:

ClinVar aggregate classification (germline): Uncertain significance (1 of 4 stars; one submission).

Conditions:
KBG syndrome (KBGS). Also called: ANKRD11-Related KBG Syndrome. Identifiers: Orphanet 2332, MedGen C0220687, MONDO:0007846, OMIM 148050.

gnomAD v4.1: 2 of 1,604,106 alleles (0.00012%); highest among the groups gnomAD compares: Admixed American, 0.0034%; no homozygotes.

Submission:

Labcorp Genetics (formerly Invitae), Labcorp
Classification: Uncertain significance for KBG syndrome. Last evaluated: 2025-10-03. Review status: criteria provided, single submitter. Criteria: Invitae Variant Classification Sherloc (09022015). Collection method: clinical testing. Allele origin: germline.
Comment: This sequence change replaces isoleucine, which is neutral and non-polar, with threonine, which is neutral and polar, at codon 794 of the ANKRD11 protein (p.Ile794Thr). This variant is present in population databases (rs759272573, gnomAD 0.006%). This variant has not been reported in the literature in individuals affected with ANKRD11-related conditions. ClinVar contains an entry for this variant (Variation ID: 3666561). Invitae Evidence Modeling of protein sequence and biophysical properties (such as structural, functional, and spatial information, amino acid conservation, physicochemical variation, residue mobility, and thermodynamic stability) indicates that this missense variant is not expected to disrupt ANKRD11 protein function with a negative predictive value of 95%. In summary, the available evidence is currently insufficient to determine the role of this variant in disease. Therefore, it has been classified as a Variant of Uncertain Significance.

NM_013275.6(ANKRD11):c.2381T>C (p.Ile794Thr)

Gene: ANKRD11 (ankyrin repeat domain 11; minus strand). Cytogenetic location: 16q24.3.
Variant type: single nucleotide variant.
Coding change: c.2381T>C on transcript NM_013275.6 (MANE Select); coding-DNA position 2381, T replaced by C.
Protein change: p.Ile794Thr; replaces isoleucine 794 with threonine.
Molecular consequence: missense variant.
Genome position (GRCh38, 1-based): chr16:89,284,161, A>G on the plus strand (T>C on the coding strand, the complement: ANKRD11 is on the minus strand). VCF-style: chr16-89284161-A-G. GRCh37 (hg19) VCF-style: chr16-89350569-A-G.
Other names: c.2381T>C, p.Ile794Thr (NM_001256182.2, NM_001256183.2); short protein forms I794T.
Identifiers: ClinVar variation 3666561 (VCV003666561.2).
Genomic context (GRCh38, chr16:89,284,161, plus strand): 5'-AAAGCAGAATCTTCCCTATAAACCTTTTCTTTTTTGAGTTTTTCTTTATCTTCTTTAAAA[A>G]TCTTCTCCTTCTCTTTTGAAATTTTGTCCTCTTTTAAATCATTCTTCTTCTCTAATTTTG-3'
Protein context (NP_037407.4, residues 784-804): EDKISKEKEK[Ile794Thr]FKEDKEKLKK